The following is an entry in ClinVar:

NM_000171.4(GLRA1):c.915G>A (p.Val305=)

Gene: GLRA1 (glycine receptor alpha 1; minus strand). Cytogenetic location: 5q33.1.
Variant type: single nucleotide variant.
Coding change: c.915G>A on transcript NM_000171.4 (MANE Select); coding-DNA position 915, G replaced by A.
Protein change: p.Val305=; no amino-acid change (valine 305 retained).
Molecular consequence: synonymous variant.
Genome position (GRCh38, 1-based): chr5:151,829,065, C>T on the plus strand (G>A on the coding strand, the complement: GLRA1 is on the minus strand). VCF-style: chr5-151829065-C-T. GRCh37 (hg19) VCF-style: chr5-151208626-C-T.
Other names: c.915G>A, p.Val305= (NM_001146040.2); c.666G>A, p.Val222= (NM_001292000.2).
Identifiers: ClinVar variation 707256 (VCV000707256.12), dbSNP rs150716717, ClinGen allele CA3523569.
Genomic context (GRCh38, chr5:151,829,065, plus strand): 5'-GGCTGAGAACACAAAGAGCAGGCAAACTGCCATCCAAATGTCAATGGCTTTCACATAGGA[C>T]ACCTAGAGTGGGGGTGGAGGAGAAACAGGGAGGTGAAAGCAGGGGAATGTAAAACATTAA-3'
Protein context (NP_000162.2, residues 295-315): SSGSRASLPK[Val305=]SYVKAIDIWM

ClinVar aggregate classification (germline): Conflicting classifications of pathogenicity. Review status: criteria provided, conflicting classifications (1 of 4 stars). 2 submissions from 2 submitters: Uncertain significance (1); Likely benign (1). Last evaluated 2026-01-26.

Conditions:
Hereditary hyperekplexia. Identifiers: Orphanet 3197, MedGen C4084968, MONDO:0021022.

Allele frequency attached by ClinVar (database versions not stated): gnomAD exomes 0.00003 and 0.00010; ExAC 0.00012; gnomAD 0.00042 and 0.00043; TOPMed 0.00052; 1000 Genomes Project 0.00060; ESP Exome Variant Server 0.00069; 1000 Genomes Project 30x 0.00094.
gnomAD v4.1: 116 of 1,613,814 alleles (0.0072%); highest among the groups gnomAD compares: African/African-American, 0.12%; no homozygotes.

Submissions (2):

Labcorp Genetics (formerly Invitae), Labcorp
Classification: Likely benign for Hereditary hyperekplexia. Last evaluated: 2026-01-26. Review status: criteria provided, single submitter. Criteria: Invitae Variant Classification Sherloc (09022015). Collection method: clinical testing. Allele origin: germline.

Women's Health and Genetics/Laboratory Corporation of America, LabCorp
Classification: Uncertain significance. Last evaluated: 2025-03-19. Review status: criteria provided, single submitter. Criteria: LabCorp Variant Classification Summary - May 2015. Collection method: clinical testing. Allele origin: germline.
Comment: Variant summary: GLRA1 c.915G>A (p.Val305Val) alters a conserved nucleotide located close to a canonical splice site and therefore could affect mRNA splicing, leading to a significantly altered protein sequence. Consensus agreement among computation tools predict no significant impact on normal splicing. However, these predictions have yet to be confirmed by functional studies. The variant allele was found at a frequency of 0.0001 in 250722 control chromosomes. This frequency is not significantly higher than estimated for a pathogenic variant in GLRA1 causing Hyperekplexia 1, allowing no conclusion about variant significance. To our knowledge, no occurrence of c.915G>A in individuals affected with Hyperekplexia 1 and no experimental evidence demonstrating its impact on protein function have been reported. ClinVar contains an entry for this variant (Variation ID: 707256). Based on the evidence outlined above, the variant was classified as uncertain significance.